The following is an entry in ClinVar:

ClinVar aggregate classification (germline): Uncertain significance. Review status: criteria provided, multiple submitters, no conflicts (2 of 4 stars). 2 submissions from 2 submitters: Uncertain significance (2). Last evaluated 2025-05-25.

Conditions:
Hereditary cancer-predisposing syndrome. Also called: Hereditary Cancer Syndrome; Tumor predisposition; Hereditary neoplastic syndrome; Neoplastic Syndromes, Hereditary. Identifiers: Orphanet 140162, MedGen C0027672, MeSH D009386, MONDO:0015356.
Bloom syndrome (BLM). Also called: Bloom-Torre-Machacek syndrome. Identifiers: Orphanet 125, MedGen C0005859, MONDO:0008876, OMIM 210900.

Submissions (2):

Ambry Genetics
Classification: Uncertain significance for Hereditary cancer-predisposing syndrome. Last evaluated: 2025-05-25. Review status: criteria provided, single submitter. Criteria: Ambry Variant Classification Scheme 2023. Collection method: clinical testing. Allele origin: germline.
Comment: The p.T80I variant (also known as c.239C>T), located in coding exon 2 of the BLM gene, results from a C to T substitution at nucleotide position 239. The threonine at codon 80 is replaced by isoleucine, an amino acid with similar properties. This amino acid position is conserved. In addition, this alteration is predicted to be tolerated by in silico analysis. Based on the available evidence, the clinical significance of this variant remains unclear.

Labcorp Genetics (formerly Invitae), Labcorp
Classification: Uncertain significance for Bloom syndrome. Last evaluated: 2020-08-20. Review status: criteria provided, single submitter. Criteria: Invitae Variant Classification Sherloc (09022015). Collection method: clinical testing. Allele origin: germline.
Comment: This sequence change replaces threonine with isoleucine at codon 80 of the BLM protein (p.Thr80Ile). The threonine residue is weakly conserved and there is a moderate physicochemical difference between threonine and isoleucine. In summary, the available evidence is currently insufficient to determine the role of this variant in disease. Therefore, it has been classified as a Variant of Uncertain Significance. Algorithms developed to predict the effect of missense changes on protein structure and function (SIFT, PolyPhen-2, Align-GVGD) all suggest that this variant is likely to be tolerated, but these predictions have not been confirmed by published functional studies and their clinical significance is uncertain. This variant has not been reported in the literature in individuals with BLM-related conditions. This variant is not present in population databases (ExAC no frequency).

NM_000057.4(BLM):c.239C>T (p.Thr80Ile)

Gene: BLM (BLM RecQ like helicase; plus strand). Cytogenetic location: 15q26.1.
Variant type: single nucleotide variant.
Coding change: c.239C>T on transcript NM_000057.4 (MANE Select); coding-DNA position 239, C replaced by T.
Protein change: p.Thr80Ile; replaces threonine 80 with isoleucine.
Molecular consequence: missense variant. On other transcripts: 5 prime UTR variant (1).
Genome position (GRCh38, 1-based): chr15:90,749,507, C>T. VCF-style: chr15-90749507-C-T. GRCh37 (hg19) VCF-style: chr15-91292737-C-T.
Other names: c.239C>T, p.Thr80Ile (NM_001287246.2, NM_001287247.2); c.-1053C>T (NM_001287248.2); c.239C>T (NM_000057.2); short protein forms T80I.
Identifiers: ClinVar variation 1047569 (VCV001047569.10), dbSNP rs766303926, ClinGen allele CA393839918.